The following is an entry in ClinVar:

ClinVar aggregate classification (germline): Likely pathogenic (1 of 4 stars; one submission).

Conditions:
Arrhythmogenic right ventricular dysplasia 10. Also called: Arrhythmogenic Right Ventricular Dysplasia/Cardiomyopathy10; ARRHYTHMOGENIC RIGHT VENTRICULAR DYSPLASIA, FAMILIAL, 10; Arrhythmogenic right ventricular dysplasia/cardiomyopathy, type 10. Identifiers: MedGen C1857777, MONDO:0012434, OMIM 610193.

Submission:

3billion
Classification: Likely pathogenic for Arrhythmogenic right ventricular dysplasia 10. Last evaluated: 2023-08-02. Review status: criteria provided, single submitter. Criteria: ACMG Guidelines, 2015. Collection method: clinical testing. Allele origin: germline. Affected: yes.
Comment: The variant is observed at an extremely low frequency in the gnomAD v2.1.1 dataset (total allele count:1). Predicted Consequence/Location: Inframe insertion located in a nonrepeat region - predicted to change the length of the protein and disrupt normal protein function. Therefore, the variant is classified as likely pathogenic according to the recommendation of ACMG/AMP guideline.

NM_001943.5(DSG2):c.812_813insC (p.Val272fs)

Gene: DSG2 (desmoglein 2; plus strand). Cytogenetic location: 18q12.1.
Variant type: Insertion.
Coding change: c.812_813insC on transcript NM_001943.5 (MANE Select); coding-DNA positions 812 to 813, C inserted.
Protein change: p.Val272fs; shifts the reading frame from valine 272.
Molecular consequence: frameshift variant.
Genome position: GRCh38 VCF-style: chr18-31524569-T-TC. GRCh37 (hg19) VCF-style: chr18-29104532-T-TC.
Other names: short protein forms V272fs.
Identifiers: ClinVar variation 3775576 (VCV003775576.1).
Genomic context (GRCh38, chr18:31,524,569, plus strand): 5'-AACCTGTAAAACAAGCTCAAGTTCAGATTCGTATTTTGGATGTCAATGACAATATACCTG[T>TC]AGTAGAAAATAAAGTGGTAACTATTATTCTTCTAATAACTGTACCTATTTATTTATATTT-3'